The following is an entry in ClinVar:

NM_001844.5(COL2A1):c.4006T>C (p.Trp1336Arg)

Gene: COL2A1 (collagen type II alpha 1 chain; minus strand). Cytogenetic location: 12q13.11.
Variant type: single nucleotide variant.
Coding change: c.4006T>C on transcript NM_001844.5 (MANE Select); coding-DNA position 4006, T replaced by C.
Protein change: p.Trp1336Arg; replaces tryptophan 1336 with arginine.
Molecular consequence: missense variant.
Genome position (GRCh38, 1-based): chr12:47,974,743, A>G on the plus strand (T>C on the coding strand, the complement: COL2A1 is on the minus strand). VCF-style: chr12-47974743-A-G. GRCh37 (hg19) VCF-style: chr12-48368526-A-G.
Other names: c.3799T>C, p.Trp1267Arg (NM_033150.3); c.4006T>C (NM_001844.4); short protein forms W1267R, W1336R.
Identifiers: ClinVar variation 1714223 (VCV001714223.7), dbSNP rs2540097279, ClinGen allele CA384535669.
Genomic context (GRCh38, chr12:47,974,743, plus strand): 5'-CACCATTGATGGTTTCTCCAAACCAGATGTGTTTCTTCTCCTTGCTCTTGCTGCTCCACC[A>G]GTTCTTCTTGGGAACGTTTGCTGGATTGGGGTAGACGCAAGTCTCGCCAGTCTCCATGTT-3'
Protein context (NP_001835.3, residues 1326-1346): PNPANVPKKN[Trp1336Arg]WSSKSKEKKH

ClinVar aggregate classification (germline): Uncertain significance. Review status: criteria provided, multiple submitters, no conflicts (2 of 4 stars). 2 submissions from 2 submitters: Uncertain significance (2). Last evaluated 2024-02-19.

Submissions (2):

Labcorp Genetics (formerly Invitae), Labcorp
Classification: Uncertain significance. Last evaluated: 2024-02-19. Review status: criteria provided, single submitter. Criteria: Invitae Variant Classification Sherloc (09022015). Collection method: clinical testing. Allele origin: germline.
Comment: This sequence change replaces tryptophan, which is neutral and slightly polar, with arginine, which is basic and polar, at codon 1336 of the COL2A1 protein (p.Trp1336Arg). This variant is not present in population databases (gnomAD no frequency). This variant has not been reported in the literature in individuals affected with COL2A1-related conditions. ClinVar contains an entry for this variant (Variation ID: 1714223). Advanced modeling of protein sequence and biophysical properties (such as structural, functional, and spatial information, amino acid conservation, physicochemical variation, residue mobility, and thermodynamic stability) has been performed at Invitae for this missense variant, however the output from this modeling did not meet the statistical confidence thresholds required to predict the impact of this variant on COL2A1 protein function. In summary, the available evidence is currently insufficient to determine the role of this variant in disease. Therefore, it has been classified as a Variant of Uncertain Significance.

GeneDx
Classification: Uncertain significance. Last evaluated: 2023-05-16. Review status: criteria provided, single submitter. Criteria: GeneDx Variant Classification Process June 2021. Collection method: clinical testing. Allele origin: germline. Affected: yes.
Comment: Not observed at significant frequency in large population cohorts (gnomAD); In silico analysis supports that this missense variant has a deleterious effect on protein structure/function; Has not been previously published as pathogenic or benign to our knowledge